The following is an entry in ClinVar:

NM_000168.6(GLI3):c.2826G>C (p.Pro942=)

Gene: GLI3 (GLI family zinc finger 3; minus strand). Cytogenetic location: 7p14.1.
Variant type: single nucleotide variant.
Coding change: c.2826G>C on transcript NM_000168.6 (MANE Select); coding-DNA position 2826, G replaced by C.
Protein change: p.Pro942=; no amino-acid change (proline 942 retained).
Molecular consequence: synonymous variant.
Genome position (GRCh38, 1-based): chr7:41,966,247, C>G on the plus strand (G>C on the coding strand, the complement: GLI3 is on the minus strand). VCF-style: chr7-41966247-C-G. GRCh37 (hg19) VCF-style: chr7-42005845-C-G.
Other names: p.Pro942=.
Identifiers: ClinVar variation 194461 (VCV000194461.25), dbSNP rs34245321, ClinGen allele CA201190.

ClinVar aggregate classification (germline): Benign. Review status: criteria provided, multiple submitters, no conflicts (2 of 4 stars). 11 submissions from 9 submitters: Benign (9). 2 of the submissions do not count toward it. Last evaluated 2026-02-02.

Conditions:
Polydactyly. Also called: polydactylism. Identifiers: MedGen C0152427, MONDO:0021003, OMIM 603596, HP:0010442.
Greig cephalopolysyndactyly syndrome (GCPS). Also called: POLYSYNDACTYLY WITH PECULIAR SKULL SHAPE; Greig syndrome; GLI3-Related Greig Cephalopolysyndactyly Syndrome. Identifiers: Orphanet 380, MedGen C0265306, MONDO:0008287, OMIM 175700.
Pallister-Hall syndrome (PHS). Also called: GLI3-Related Pallister-Hall Syndrome; HYPOTHALAMIC HAMARTOBLASTOMA, HYPOPITUITARISM, IMPERFORATE ANUS, AND POSTAXIAL POLYDACTYLY. Identifiers: Orphanet 672, MedGen C0265220, MONDO:0007804, OMIM 146510.

Allele frequency attached by ClinVar (database versions not stated): 1000 Genomes Project 30x 0.01843; 1000 Genomes Project 0.01957; TOPMed 0.03396; ESP Exome Variant Server 0.03865.
gnomAD v4.1: 79,953 of 1,608,140 alleles (5%); highest among the groups gnomAD compares: Non-Finnish European, 5.7%; 2,235 homozygotes.

Submissions (11):

Labcorp Genetics (formerly Invitae), Labcorp
Classification: Benign for Pallister-Hall syndrome; Greig cephalopolysyndactyly syndrome. Last evaluated: 2026-02-02. Review status: criteria provided, single submitter. Criteria: Invitae Variant Classification Sherloc (09022015). Collection method: clinical testing. Allele origin: germline.

Blueprint Genetics
Classification: Benign. Last evaluated: 2024-11-27. Review status: criteria provided, single submitter. Criteria: ACMG Guidelines, 2015. Collection method: clinical testing. Allele origin: germline.

Mayo Clinic Laboratories, Mayo Clinic
Classification: Benign. Last evaluated: 2022-03-09. Review status: criteria provided, single submitter. Criteria: ACMG Guidelines, 2015. Collection method: clinical testing. Allele origin: germline. Observed: 4 variant alleles.

Illumina Laboratory Services, Illumina
Classification: Benign for Polydactyly. Last evaluated: 2018-01-12. Review status: criteria provided, single submitter. Criteria: ICSL Variant Classification Criteria 13 December 2019. Collection method: clinical testing. Allele origin: germline.
Comment: This variant was observed in the ICSL laboratory as part of a predisposition screen in an ostensibly healthy population. It had not been previously curated by ICSL or reported in the Human Gene Mutation Database (HGMD: prior to June 1st, 2018), and was therefore a candidate for classification through an automated scoring system. Utilizing variant allele frequency, disease prevalence and penetrance estimates, and inheritance mode, an automated score was calculated to assess if this variant is too frequent to cause the disease. Based on the score and internal cut-off values, a variant classified as benign is not then subjected to further curation. The score for this variant resulted in a classification of benign for this disease.

Illumina Laboratory Services, Illumina
Classification: Benign for Pallister-Hall syndrome. Last evaluated: 2018-01-12. Review status: criteria provided, single submitter. Criteria: ICSL Variant Classification Criteria 13 December 2019. Collection method: clinical testing. Allele origin: germline.
Comment: the same text as in the submission from Illumina Laboratory Services, Illumina above.

Illumina Laboratory Services, Illumina
Classification: Benign for Greig cephalopolysyndactyly syndrome. Last evaluated: 2018-01-12. Review status: criteria provided, single submitter. Criteria: ICSL Variant Classification Criteria 13 December 2019. Collection method: clinical testing. Allele origin: germline.
Comment: the same text as in the submission from Illumina Laboratory Services, Illumina above.

GeneDx
Classification: Benign. Last evaluated: 2015-03-03. Review status: criteria provided, single submitter. Criteria: GeneDx Variant Classification Process June 2021. Collection method: clinical testing. Allele origin: germline. Affected: yes.

Eurofins Ntd Llc (ga)
Classification: Benign. Last evaluated: 2014-10-08. Review status: criteria provided, single submitter. Criteria: EGL Classification Definitions 2015. Collection method: clinical testing. Allele origin: germline. Observed: 8 variant alleles, 8 heterozygotes.

PreventionGenetics, part of Exact Sciences
Classification: Benign. Review status: criteria provided, single submitter. Criteria: ACMG Guidelines, 2015. Collection method: clinical testing. Allele origin: germline.

Clinical Genetics DNA and cytogenetics Diagnostics Lab, Erasmus MC, Erasmus Medical Center
Classification: Benign. Review status: no assertion criteria provided. Collection method: clinical testing. Allele origin: germline. Affected: yes. Study: VKGL Data-share Consensus. Not counted in ClinVar's aggregate classification.

Clinical Genetics, Academic Medical Center
Classification: Benign. Review status: no assertion criteria provided. Collection method: clinical testing. Allele origin: germline. Affected: yes. Study: VKGL Data-share Consensus. Not counted in ClinVar's aggregate classification.